The following is an entry in ClinVar:

NM_133642.5(LARGE1):c.728C>T (p.Thr243Met)

Gene: LARGE1 (LARGE xylosyl- and glucuronyltransferase 1; minus strand). Cytogenetic location: 22q12.3.
Variant type: single nucleotide variant.
Coding change: c.728C>T on transcript NM_133642.5 (MANE Select); coding-DNA position 728, C replaced by T.
Protein change: p.Thr243Met; replaces threonine 243 with methionine.
Molecular consequence: missense variant.
Genome position (GRCh38, 1-based): chr22:33,564,907, G>A on the plus strand (C>T on the coding strand, the complement: LARGE1 is on the minus strand). VCF-style: chr22-33564907-G-A. GRCh37 (hg19) VCF-style: chr22-33960893-G-A.
Other names: c.728C>T, p.Thr243Met (NM_001362951.2, NM_001362953.2, NM_001378624.1 and 7 more transcripts); c.125C>T, p.Thr42Met (NM_001378630.1, NM_001378631.1); short protein forms T243M, T42M.
Identifiers: ClinVar variation 2721518 (VCV002721518.3), dbSNP rs1267359140, ClinGen allele CA411545680.

ClinVar aggregate classification (germline): Uncertain significance (1 of 4 stars; one submission).

Conditions:
Muscular dystrophy-dystroglycanopathy type B6 (MDDGB6). Also called: MUSCULAR DYSTROPHY, CONGENITAL, LARGE-RELATED; MUSCULAR DYSTROPHY, CONGENITAL, TYPE 1D; MUSCULAR DYSTROPHY-DYSTROGLYCANOPATHY (CONGENITAL WITH IMPAIRED INTELLECTUAL DEVELOPMENT), TYPE B, 6. Identifiers: MedGen C1837229, MONDO:0012138, OMIM 608840.

Allele frequency attached by ClinVar (database versions not stated): gnomAD exomes below 0.00001; gnomAD 0.00001.
gnomAD v4.1: 7 of 1,614,032 alleles (0.00043%); highest among the groups gnomAD compares: Admixed American, 0.0033%; no homozygotes.

Submission:

Labcorp Genetics (formerly Invitae), Labcorp
Classification: Uncertain significance for Muscular dystrophy-dystroglycanopathy type B6. Last evaluated: 2023-12-21. Review status: criteria provided, single submitter. Criteria: Invitae Variant Classification Sherloc (09022015). Collection method: clinical testing. Allele origin: germline.
Comment: This sequence change replaces threonine, which is neutral and polar, with methionine, which is neutral and non-polar, at codon 243 of the LARGE1 protein (p.Thr243Met). This variant is present in population databases (no rsID available, gnomAD 0.003%). This variant has not been reported in the literature in individuals affected with LARGE1-related conditions. Advanced modeling of protein sequence and biophysical properties (such as structural, functional, and spatial information, amino acid conservation, physicochemical variation, residue mobility, and thermodynamic stability) performed at Invitae indicates that this missense variant is not expected to disrupt LARGE1 protein function with a negative predictive value of 80%. In summary, the available evidence is currently insufficient to determine the role of this variant in disease. Therefore, it has been classified as a Variant of Uncertain Significance.